The following is an entry in ClinVar:

NM_015512.5(DNAH1):c.5331G>A (p.Glu1777=)

Gene: DNAH1 (dynein axonemal heavy chain 1; plus strand). Cytogenetic location: 3p21.1.
Variant type: single nucleotide variant.
Coding change: c.5331G>A on transcript NM_015512.5 (MANE Select); coding-DNA position 5331, G replaced by A.
Protein change: p.Glu1777=; no amino-acid change (glutamic acid 1777 retained).
Molecular consequence: synonymous variant.
Genome position (GRCh38, 1-based): chr3:52,364,724, G>A. VCF-style: chr3-52364724-G-A. GRCh37 (hg19) VCF-style: chr3-52398740-G-A.
Identifiers: ClinVar variation 2154945 (VCV002154945.1), dbSNP rs1702998937, ClinGen allele CA433883833.
Genomic context (GRCh38, chr3:52,364,724, plus strand): 5'-CGTGAAAACTGTGATCTCGGCTGCTGGGAACCTCAAGCGAGAAAACCCCAGCATGAATGA[G>A]GTGAGCTCCACCCAGCAGGGCTCCAGGAGTGGAACTCTGGGAGGGCTCCTGGGCAGCTGG-3'
Protein context (NP_056327.4, residues 1767-1787): NLKRENPSMN[Glu1777=]ELICLRAIRD

ClinVar aggregate classification (germline): Uncertain significance (1 of 4 stars; one submission).

Conditions:
Spermatogenic failure 18. Identifiers: MedGen C4539783, MONDO:0054615, OMIM 617576.
Ciliary dyskinesia, primary, 37 (CILD37). Also called: CILIARY DYSKINESIA, PRIMARY, 37, WITH OR WITHOUT SITUS INVERSUS. Identifiers: MedGen C4539798, MONDO:0033204, OMIM 617577.

Allele frequency attached by ClinVar (database versions not stated): gnomAD exomes below 0.00001; TOPMed below 0.00001; gnomAD 0.00001.
gnomAD v4.1: 4 of 1,612,732 alleles (0.00025%); highest among the groups gnomAD compares: Non-Finnish European, 0.00034%; no homozygotes.

Submission:

Labcorp Genetics (formerly Invitae), Labcorp
Classification: Uncertain significance for Ciliary dyskinesia, primary, 37; Spermatogenic failure 18. Last evaluated: 2022-01-18. Review status: criteria provided, single submitter. Criteria: Invitae Variant Classification Sherloc (09022015). Collection method: clinical testing. Allele origin: germline.
Comment: This sequence change affects codon 1777 of the DNAH1 mRNA. It is a 'silent' change, meaning that it does not change the encoded amino acid sequence of the DNAH1 protein. This variant also falls at the last nucleotide of exon 33, which is part of the consensus splice site for this exon. This variant is not present in population databases (gnomAD no frequency). This variant has not been reported in the literature in individuals affected with DNAH1-related conditions. Variants that disrupt the consensus splice site are a relatively common cause of aberrant splicing (PMID: 17576681, 9536098). Algorithms developed to predict the effect of sequence changes on RNA splicing suggest that this variant may disrupt the consensus splice site. In summary, the available evidence is currently insufficient to determine the role of this variant in disease. Therefore, it has been classified as a Variant of Uncertain Significance.

Literature cited by the submitters: PubMed 17576681; PubMed 9536098.